The following is an entry in ClinVar:

NM_020680.4(SCYL1):c.1880C>T (p.Thr627Met)

Gene: SCYL1 (SCY1 like pseudokinase 1; plus strand). Cytogenetic location: 11q13.1.
Variant type: single nucleotide variant.
Coding change: c.1880C>T on transcript NM_020680.4 (MANE Select); coding-DNA position 1880, C replaced by T.
Protein change: p.Thr627Met; replaces threonine 627 with methionine.
Molecular consequence: missense variant.
Genome position (GRCh38, 1-based): chr11:65,537,049, C>T. VCF-style: chr11-65537049-C-T. GRCh37 (hg19) VCF-style: chr11-65304520-C-T.
Other names: c.1829C>T, p.Thr610Met (NM_001048218.2); short protein forms T627M, T610M.
Identifiers: ClinVar variation 774897 (VCV000774897.34), dbSNP rs202155473, ClinGen allele CA6099965.

ClinVar aggregate classification (germline): Benign/Likely benign. Review status: criteria provided, multiple submitters, no conflicts (2 of 4 stars). 4 submissions from 4 submitters: Benign (2); Likely benign (2). Last evaluated 2026-01-15.

Allele frequency attached by ClinVar (database versions not stated): 1000 Genomes Project 30x 0.00078; 1000 Genomes Project 0.00080; ExAC 0.00421; gnomAD exomes 0.00450; gnomAD 0.00452 and 0.00481; TOPMed 0.00138; ESP Exome Variant Server 0.00142.
gnomAD v4.1: 5,301 of 1,613,644 alleles (0.33%); highest among the groups gnomAD compares: Non-Finnish European, 0.25%; 65 homozygotes.

Submissions (4):

Labcorp Genetics (formerly Invitae), Labcorp
Classification: Benign. Last evaluated: 2026-01-15. Review status: criteria provided, single submitter. Criteria: Invitae Variant Classification Sherloc (09022015). Collection method: clinical testing. Allele origin: germline.

CeGaT Center for Human Genetics Tuebingen
Classification: Likely benign. Last evaluated: 2025-10-01. Review status: criteria provided, single submitter. Criteria: CeGaT Center For Human Genetics Tuebingen Variant Classification Criteria Version 2. Collection method: clinical testing. Allele origin: germline. Affected: yes. Observed: 4 variant alleles.
Comment: SCYL1: BP4, BS2

Blueprint Genetics
Classification: Likely benign. Last evaluated: 2024-11-22. Review status: criteria provided, single submitter. Criteria: ACMG Guidelines, 2015. Collection method: clinical testing. Allele origin: germline.

Breakthrough Genomics
Classification: Benign. Review status: criteria provided, single submitter. Criteria: ACMG Guidelines, 2015. Collection method: not provided. Allele origin: germline. Inheritance: Autosomal recessive inheritance. Affected: yes.